The following is an entry in ClinVar:

ClinVar aggregate classification (germline): Uncertain significance (1 of 4 stars; one submission).

Conditions:
Hereditary cancer-predisposing syndrome. Also called: Tumor predisposition; Neoplastic Syndromes, Hereditary; Hereditary Cancer Syndrome; Hereditary neoplastic syndrome. Identifiers: Orphanet 140162, MedGen C0027672, MeSH D009386, MONDO:0015356.

Submission:

Ambry Genetics
Classification: Uncertain significance for Hereditary cancer-predisposing syndrome. Last evaluated: 2025-02-21. Review status: criteria provided, single submitter. Criteria: Ambry Variant Classification Scheme 2023. Collection method: clinical testing. Allele origin: germline.
Comment: The p.S970R variant (also known as c.2910T>G), located in coding exon 15 of the APC gene, results from a T to G substitution at nucleotide position 2910. The serine at codon 970 is replaced by arginine, an amino acid with dissimilar properties. This amino acid position is conserved. In addition, in silico predictors for this gene do not accurately predict pathogenicity. Based on the available evidence, the clinical significance of this variant remains unclear.

NM_000038.6(APC):c.2910T>G (p.Ser970Arg)

Gene: APC (APC regulator of Wnt signaling pathway; plus strand). Cytogenetic location: 5q22.2.
Variant type: single nucleotide variant.
Coding change: c.2910T>G on transcript NM_000038.6 (MANE Select); coding-DNA position 2910, T replaced by G.
Protein change: p.Ser970Arg; replaces serine 970 with arginine.
Molecular consequence: missense variant. On other transcripts: non-coding transcript variant (2).
Genome position (GRCh38, 1-based): chr5:112,838,504, T>G. VCF-style: chr5-112838504-T-G. GRCh37 (hg19) VCF-style: chr5-112174201-T-G.
Other names: c.2061T>G, p.Ser687Arg (NM_001354906.2, NM_001407470.1); c.2994T>G, p.Ser998Arg (NM_001407446.1); c.2964T>G, p.Ser988Arg (NM_001407447.1, NM_001407448.1, NM_001407449.1 and 1 more transcripts); c.2910T>G, p.Ser970Arg (NM_001407450.1, NM_001127510.3, NM_001354895.2); c.2880T>G, p.Ser960Arg (NM_001407452.1); c.2889T>G, p.Ser963Arg (NM_001407451.1); c.2733T>G, p.Ser911Arg (NM_001407453.1, NM_001354901.2); c.2856T>G, p.Ser952Arg (NM_001127511.3); and 11 more; short protein forms S841R, S970R, S810R, S844R, S952R, S960R, S980R, S879R.
Identifiers: ClinVar variation 3882518 (VCV003882518.1).